The following is an entry in ClinVar:

ClinVar aggregate classification (germline): Uncertain significance (1 of 4 stars; one submission).

Conditions:
Inborn genetic diseases. Identifiers: MedGen C0950123, MeSH D030342.

Submission:

Ambry Genetics
Classification: Uncertain significance for Inborn genetic diseases. Last evaluated: 2026-05-19. Review status: criteria provided, single submitter. Criteria: Ambry Variant Classification Scheme 2023. Collection method: clinical testing. Allele origin: germline.
Comment: The p.I1035L variant (also known as c.3103A>C), located in coding exon 14 of the MECOM gene, results from an A to C substitution at nucleotide position 3103. The isoleucine at codon 1035 is replaced by leucine, an amino acid with highly similar properties. This amino acid position is conserved. In addition, the in silico prediction for this alteration is inconclusive. Based on the available evidence, the clinical significance of this variant remains unclear.

NM_004991.4(MECOM):c.3103A>C (p.Ile1035Leu)

Gene: MECOM (MDS1 and EVI1 complex locus; minus strand). Cytogenetic location: 3q26.2.
Variant type: single nucleotide variant.
Coding change: c.3103A>C on transcript NM_004991.4 (MANE Select); coding-DNA position 3103, A replaced by C.
Protein change: p.Ile1035Leu; replaces isoleucine 1035 with leucine.
Molecular consequence: missense variant.
Genome position (GRCh38, 1-based): chr3:169,093,019, T>G on the plus strand (A>C on the coding strand, the complement: MECOM is on the minus strand). VCF-style: chr3-169093019-T-G. GRCh37 (hg19) VCF-style: chr3-168810807-T-G.
Other names: c.2734A>C, p.Ile912Leu (NM_001105077.4); c.2539A>C, p.Ile847Leu (NM_001105078.4, NM_001205194.2, NM_001366469.2 and 1 more transcripts); c.2515A>C, p.Ile839Leu (NM_001163999.2, NM_001366470.2); c.2512A>C, p.Ile838Leu (NM_001164000.2, NM_001366471.2, NM_001366472.2); c.3076A>C, p.Ile1026Leu (NM_001366466.2); c.2542A>C, p.Ile848Leu (NM_001366467.2, NM_001366468.2); c.2104A>C, p.Ile702Leu (NM_001366473.2); c.1540A>C, p.Ile514Leu (NM_001366474.2); short protein forms I1026L, I1035L, I514L, I702L, I838L, I839L, I847L, I848L.
Identifiers: ClinVar variation 4859791 (VCV004859791.1).